The following is an entry in ClinVar:

ClinVar aggregate classification (germline): Uncertain significance (1 of 4 stars; one submission).

Submission:

GeneDx
Classification: Uncertain significance. Last evaluated: 2022-02-07. Review status: criteria provided, single submitter. Criteria: GeneDx Variant Classification Process June 2021. Collection method: clinical testing. Allele origin: germline. Affected: yes.
Comment: Has not been previously published as pathogenic or benign to our knowledge; Not observed at significant frequency in large population cohorts (gnomAD); Frameshift variant located in the I-band region that does not affect one of the constitutive exons; studies suggest that truncating variants affecting constitutive exons throughout the TTN gene are significantly associated with DCM (Deo, 2016; Schafer et al., 2017)

NM_001267550.2(TTN):c.6437_6438del (p.Ser2146fs)

Gene: TTN (titin; minus strand). Cytogenetic location: 2q31.2.
Variant type: Microsatellite.
Coding change: c.6437_6438del on transcript NM_001267550.2 (MANE Select); coding-DNA positions 6437 to 6438, 2 bases deleted (CT; older notation c.6437_6438delCT).
Protein change: p.Ser2146fs; shifts the reading frame from serine 2146.
Molecular consequence: frameshift variant.
Genome position (GRCh38, 1-based): chr2:178,775,426-178,775,427, AG deleted on the plus strand (CT on the coding strand, the reverse complement: TTN is on the minus strand); deleting any 2 consecutive bases within chr2:178,775,426-178,775,429 gives the same sequence; the c. name uses the placement nearest the transcript's 3' end. VCF-style (leftmost placement, unchanged base first): chr2-178775425-CAG-C. GRCh37 (hg19) VCF-style: chr2-179640152-CAG-C.
Other names: c.6437_6438del, p.Ser2146fs (NM_001256850.1, NM_133378.4, NM_133379.5); c.6299_6300del, p.Ser2100fs (NM_003319.4, NM_133432.3, NM_133437.4); short protein forms S2100fs, S2146fs.
Identifiers: ClinVar variation 1700367 (VCV001700367.2), dbSNP rs2154345712, ClinGen allele CA2580616618.